The following is an entry in ClinVar:

NM_016341.4(PLCE1):c.5968G>A (p.Glu1990Lys)

Gene: PLCE1 (phospholipase C epsilon 1; plus strand). Cytogenetic location: 10q23.33.
Variant type: single nucleotide variant.
Coding change: c.5968G>A on transcript NM_016341.4 (MANE Select); coding-DNA position 5968, G replaced by A.
Protein change: p.Glu1990Lys; replaces glutamic acid 1990 with lysine.
Molecular consequence: missense variant.
Genome position (GRCh38, 1-based): chr10:94,308,664, G>A. VCF-style: chr10-94308664-G-A. GRCh37 (hg19) VCF-style: chr10-96068421-G-A.
Other names: c.5044G>A, p.Glu1682Lys (NM_001165979.2); c.5920G>A, p.Glu1974Lys (NM_001288989.2); short protein forms E1682K, E1974K, E1990K.
Identifiers: ClinVar variation 3600405 (VCV003600405.1).
Genomic context (GRCh38, chr10:94,308,664, plus strand): 5'-AACCTTCACAATGAAGTCTTGGAGATTTCTAGTTTATTCATTAACAGCAGAAGGATGGAA[G>A]AAAATTCCTCTGGCAATACCATGTCAGCCTCTTCGGTAATGAAGTTCTGTTTCACTCAAC-3'
Protein context (NP_057425.3, residues 1980-2000): SLFINSRRME[Glu1990Lys]NSSGNTMSAS

ClinVar aggregate classification (germline): Uncertain significance (1 of 4 stars; one submission).

Conditions:
Nephrotic syndrome, type 3 (NPHS3). Also called: NEPHROTIC SYNDROME, EARLY-ONSET, TYPE 3. Identifiers: Orphanet 656, MedGen C1853124, MONDO:0012546, OMIM 610725.

gnomAD v4.1: 2 of 1,611,376 alleles (0.00012%); highest among the groups gnomAD compares: African/African-American, 0.0027%; no homozygotes.

Submission:

Clinical Genomics Laboratory, Washington University in St. Louis
Classification: Uncertain significance for Nephrotic syndrome, type 3. Last evaluated: 2024-07-24. Review status: criteria provided, single submitter. Criteria: ACMG Guidelines, 2015. Collection method: clinical testing. Allele origin: germline.
Comment: A PLCE1 c.5968G>A (p.Glu1990Lys) variant was identified. This variant, to our knowledge, has not been reported in the medical literature in relation to renal disease. This variant is only observed on 1/31,410 alleles in the general population (gnomAD v2.1.1), indicating it is not a common variant. Computational predictors suggest that the variant does not impact PLCE1 function. Due to limited information, and based on ACMG/AMP guidelines for variant interpretation (Richards S et al., PMID: 25741868), the clinical significance of the PLCE1 c.5968G>A (p.Glu1990Lys) variant is uncertain at this time.